The following is an entry in ClinVar:

NM_001123385.2(BCOR):c.4184_4197dup (p.Arg1400fs)

Gene: BCOR (BCL6 corepressor; minus strand). Cytogenetic location: Xp11.4.
Variant type: Duplication.
Coding change: c.4184_4197dup on transcript NM_001123385.2 (MANE Select); coding-DNA positions 4184 to 4197, 14 bases duplicated (GGAGATTCAGAAAG).
Protein change: p.Arg1400fs; shifts the reading frame from arginine 1400.
Molecular consequence: frameshift variant.
Genome position (GRCh38, 1-based): chrX:40,062,370-40,062,383, CTTTCTGAATCTCC duplicated on the plus strand (GGAGATTCAGAAAG on the coding strand, the reverse complement: BCOR is on the minus strand). VCF-style (leftmost placement, unchanged base first): chrX-40062369-G-GCTTTCTGAATCTCC. GRCh37 (hg19) VCF-style: chrX-39921622-G-GCTTTCTGAATCTCC.
Other names: c.4082_4095dup, p.Arg1366fs (NM_001123383.2, NM_001438208.1, NM_017745.6); c.4028_4041dup, p.Arg1348fs (NM_001123384.2); c.4184_4197dup, p.Arg1400fs (NM_001437510.1, NM_001437511.1); c.4130_4143dup, p.Arg1382fs (NM_001438207.1); short protein forms R1348fs, R1366fs, R1382fs, R1400fs.
Identifiers: ClinVar variation 4530153 (VCV004530153.1).

ClinVar aggregate classification (somatic clinical impact): Tier I - Strong (1 of 4 stars; one submission).

Conditions:
Embryonal rhabdomyosarcoma (ERMS). Also called: Botryoid rhabdomyosarcoma (type of ERMS); Spindle cell rhabdomyosarcomas (type of ERMS). Identifiers: Orphanet 99757, MedGen C0206656, MONDO:0009993, HP:0006743.

Submission:

Institute for Genomic Medicine (IGM) Clinical Laboratory, Nationwide Children's Hospital
Classification: Tier I - Strong for Embryonal rhabdomyosarcoma. Assertion type: diagnostic. Clinical significance: supports diagnosis. Last evaluated: 2022-12-22. Review status: criteria provided, single submitter. Criteria: AMP/ASCO/CAP Guidelines, 2017. Collection method: clinical testing. Allele origin: somatic. Affected: yes.
Comment: Variant has Tier I (strong) clinical significance as a diagnostic inclusion criterion in embryonal rhabdomyosarcoma, based on the following evidence: 1) Appears in one or more well-established professional guidelines (e.g., World Health Organization [WHO]; National Comprehensive Cancer Network [NCCN]) as providing diagnostic, prognostic, or therapeutic information. 2) Information in the literature supports potential biologic effect of variant. 3) Diagnostic for a specific tumor type/classification based on well-powered studies with expert-level consensus (Evidence Level B; PMIDs: 24436047, 34166060, 26138366, 25768946).

Literature cited by the submitters: PubMed 24436047; PubMed 34166060; PubMed 26138366; PubMed 25768946.